The following is an entry in ClinVar:

NM_001348800.3(ZBTB20):c.237C>G (p.His79Gln)

Genes: ZBTB20 (zinc finger and BTB domain containing 20; minus strand), ZBTB20-AS1 (ZBTB20 antisense RNA 1; plus strand). Cytogenetic location: 3q13.31.
Variant type: single nucleotide variant.
Coding change: c.237C>G on transcript NM_001348800.3 (MANE Select); coding-DNA position 237, C replaced by G.
Protein change: p.His79Gln; replaces histidine 79 with glutamine.
Molecular consequence: missense variant. On other transcripts: non-coding transcript variant (1).
Genome position (GRCh38, 1-based): chr3:114,351,841, G>C on the plus strand (C>G on the coding strand, the complement: ZBTB20 is on the minus strand). VCF-style: chr3-114351841-G-C. GRCh37 (hg19) VCF-style: chr3-114070688-G-C.
Other names: c.237C>G, p.His79Gln (NM_001164342.2, NM_001348803.3, NM_001393393.1 and 1 more transcripts); c.18C>G, p.His6Gln (NM_001164343.2, NM_001393395.1, NM_001393396.1 and 9 more transcripts); short protein forms H6Q, H79Q.
Identifiers: ClinVar variation 3616344 (VCV003616344.2).

ClinVar aggregate classification (germline): Uncertain significance (1 of 4 stars; one submission).

gnomAD v4.1: 9 of 1,601,672 alleles (0.00056%); highest among the groups gnomAD compares: Non-Finnish European, 0.00077%; no homozygotes.

Submission:

Labcorp Genetics (formerly Invitae), Labcorp
Classification: Uncertain significance. Last evaluated: 2024-07-23. Review status: criteria provided, single submitter. Criteria: Invitae Variant Classification Sherloc (09022015). Collection method: clinical testing. Allele origin: germline.
Comment: This sequence change replaces histidine, which is basic and polar, with glutamine, which is neutral and polar, at codon 79 of the ZBTB20 protein (p.His79Gln). This variant is present in population databases (no rsID available, gnomAD 0.007%). This variant has not been reported in the literature in individuals affected with ZBTB20-related conditions. Advanced modeling of protein sequence and biophysical properties (such as structural, functional, and spatial information, amino acid conservation, physicochemical variation, residue mobility, and thermodynamic stability) has been performed at Invitae for this missense variant, however the output from this modeling did not meet the statistical confidence thresholds required to predict the impact of this variant on ZBTB20 protein function. In summary, the available evidence is currently insufficient to determine the role of this variant in disease. Therefore, it has been classified as a Variant of Uncertain Significance.